The following is an entry in ClinVar:

NM_032436.4(CHAMP1):c.1471C>T (p.Pro491Ser)

Gene: CHAMP1 (chromosome alignment maintaining phosphoprotein 1; plus strand). Cytogenetic location: 13q34.
Variant type: single nucleotide variant.
Coding change: c.1471C>T on transcript NM_032436.4 (MANE Select); coding-DNA position 1471, C replaced by T.
Protein change: p.Pro491Ser; replaces proline 491 with serine.
Molecular consequence: missense variant.
Genome position (GRCh38, 1-based): chr13:114,325,313, C>T. VCF-style: chr13-114325313-C-T. GRCh37 (hg19) VCF-style: chr13-115090788-C-T.
Other names: c.1471C>T, p.Pro491Ser (NM_001164144.3, NM_001164145.3); short protein forms P491S.
Identifiers: ClinVar variation 722207 (VCV000722207.4), dbSNP rs552043197, ClinGen allele CA7070814.
Genomic context (GRCh38, chr13:114,325,313, plus strand): 5'-AGTTCCCGTGGTGGTTCTCCTGATCTCTGGAAGTCTTCCTTTTTTATTGAGCCTCAGAAA[C>T]CTGTCTTCCCTGAGACCCGAAAACCAGGTCCTTCTGGGCCATCTGAGTCCCCCAAAGCAG-3'
Protein context (NP_115812.1, residues 481-501): KSSFFIEPQK[Pro491Ser]VFPETRKPGP

ClinVar aggregate classification (germline): Likely benign. Review status: criteria provided, multiple submitters, no conflicts (2 of 4 stars). 2 submissions from 2 submitters: Likely benign (2). Last evaluated 2025-05-05.

Allele frequency attached by ClinVar (database versions not stated): gnomAD below 0.00001 and 0.00005; TOPMed 0.00002; gnomAD exomes 0.00005 and 0.00010; ExAC 0.00014; 1000 Genomes Project 30x 0.00094; 1000 Genomes Project 0.00100.
gnomAD v4.1: 83 of 1,614,138 alleles (0.0051%); highest among the groups gnomAD compares: South Asian, 0.085%; no homozygotes.

Submissions (2):

Women's Health and Genetics/Laboratory Corporation of America, LabCorp
Classification: Likely benign. Last evaluated: 2025-05-05. Review status: criteria provided, single submitter. Criteria: LabCorp Variant Classification Summary - May 2015. Collection method: clinical testing. Allele origin: germline.
Comment: Variant summary: CHAMP1 c.1471C>T (p.Pro491Ser) results in a non-conservative amino acid change in the encoded protein sequence. Algorithms developed to predict the effect of missense changes on protein structure and function are either unavailable or do not agree on the potential impact of this missense change. The variant allele was found at a frequency of 9.5e-05 in 251450 control chromosomes, predominantly at a frequency of 0.00075 within the South Asian subpopulation in the gnomAD database. The occurrence in several carriers suggests that this variant is likely not associated with a high penetrance, severe, early onset disease phenotype in heterozygous state. To our knowledge, no occurrence of c.1471C>T in individuals affected with Intellectual Disability, Autosomal Dominant 40 and no experimental evidence demonstrating its impact on protein function have been reported. ClinVar contains an entry for this variant (Variation ID: 722207). Based on the evidence outlined above, the variant was classified as likely benign.

Labcorp Genetics (formerly Invitae), Labcorp
Classification: Likely benign. Last evaluated: 2017-12-29. Review status: criteria provided, single submitter. Criteria: Invitae Variant Classification Sherloc (09022015). Collection method: clinical testing. Allele origin: germline.